The following is an entry in ClinVar:

NM_001122955.4(BSCL2):c.765G>T (p.Ser255=)

Genes: BSCL2 (BSCL2 lipid droplet biogenesis associated, seipin; minus strand), HNRNPUL2-BSCL2 (HNRNPUL2-BSCL2 readthrough (NMD candidate); minus strand). Cytogenetic location: 11q12.3.
Variant type: single nucleotide variant.
Coding change: c.765G>T on transcript NM_001122955.4 (MANE Select); coding-DNA position 765, G replaced by T.
Protein change: p.Ser255=; no amino-acid change (serine 255 retained).
Molecular consequence: synonymous variant. On other transcripts: non-coding transcript variant (1).
Genome position (GRCh38, 1-based): chr11:62,692,663, C>A on the plus strand (G>T on the coding strand, the complement: BSCL2 is on the minus strand). VCF-style: chr11-62692663-C-A. GRCh37 (hg19) VCF-style: chr11-62460135-C-A.
Other names: c.573G>T, p.Ser191= (NM_001130702.2, NM_032667.6); c.765G>T, p.Ser255= (NM_001386027.1, NM_001386028.1).
Identifiers: ClinVar variation 941001 (VCV000941001.8), dbSNP rs774120735, ClinGen allele CA474865901.

ClinVar aggregate classification (germline): Uncertain significance. Review status: criteria provided, multiple submitters, no conflicts (2 of 4 stars). 2 submissions from 2 submitters: Uncertain significance (2). Last evaluated 2023-10-05.

Conditions:
Inborn genetic diseases. Identifiers: MedGen C0950123, MeSH D030342.
Charcot-Marie-Tooth disease type 2. Also called: Charcot-Marie-Tooth type 2. Identifiers: Orphanet 64746, MedGen C0270914, MONDO:0018993.

Submissions (2):

Ambry Genetics
Classification: Uncertain significance for Inborn genetic diseases. Last evaluated: 2023-10-05. Review status: criteria provided, single submitter. Criteria: Ambry Variant Classification Scheme 2023. Collection method: clinical testing. Allele origin: germline.
Comment: Occurs in the last base pair of the exon Based on insufficient or conflicting evidence, the clinical significance of this alteration remains unclear.

Labcorp Genetics (formerly Invitae), Labcorp
Classification: Uncertain significance for Charcot-Marie-Tooth disease type 2. Last evaluated: 2023-01-01. Review status: criteria provided, single submitter. Criteria: Invitae Variant Classification Sherloc (09022015). Collection method: clinical testing. Allele origin: germline.
Comment: This sequence change affects codon 191 of the BSCL2 mRNA. It is a 'silent' change, meaning that it does not change the encoded amino acid sequence of the BSCL2 protein. This variant also falls at the last nucleotide of exon 5, which is part of the consensus splice site for this exon. In summary, the available evidence is currently insufficient to determine the role of this variant in disease. Therefore, it has been classified as a Variant of Uncertain Significance. Variants that disrupt the consensus splice site are a relatively common cause of aberrant splicing (PMID: 17576681, 9536098). Algorithms developed to predict the effect of sequence changes on RNA splicing suggest that this variant may create or strengthen a splice site. ClinVar contains an entry for this variant (Variation ID: 941001). This variant has not been reported in the literature in individuals affected with BSCL2-related conditions. This variant is not present in population databases (gnomAD no frequency).

Literature cited by the submitters: PubMed 17576681 (cited by Labcorp Genetics (formerly Invitae), Labcorp); PubMed 9536098 (cited by Labcorp Genetics (formerly Invitae), Labcorp).